The following is an entry in ClinVar:

ClinVar aggregate classification (germline): Uncertain significance (1 of 4 stars; one submission).

Conditions:
Hereditary cancer-predisposing syndrome. Also called: Hereditary Cancer Syndrome; Hereditary neoplastic syndrome; Neoplastic Syndromes, Hereditary; Tumor predisposition. Identifiers: Orphanet 140162, MedGen C0027672, MeSH D009386, MONDO:0015356.

Submission:

Ambry Genetics
Classification: Uncertain significance for Hereditary cancer-predisposing syndrome. Last evaluated: 2024-08-29. Review status: criteria provided, single submitter. Criteria: Ambry Variant Classification Scheme 2023. Collection method: clinical testing. Allele origin: germline.
Comment: The p.L1874P variant (also known as c.5621T>C), located in coding exon 36 of the ATM gene, results from a T to C substitution at nucleotide position 5621. The leucine at codon 1874 is replaced by proline, an amino acid with similar properties. This amino acid position is poorly conserved in available vertebrate species. In addition, this alteration is predicted to be tolerated by in silico analysis. Based on the available evidence, the clinical significance of this variant remains unclear.

NM_000051.4(ATM):c.5621T>C (p.Leu1874Pro)

Gene: ATM (ATM serine/threonine kinase; plus strand). Cytogenetic location: 11q22.3.
Variant type: single nucleotide variant.
Coding change: c.5621T>C on transcript NM_000051.4 (MANE Select); coding-DNA position 5621, T replaced by C.
Protein change: p.Leu1874Pro; replaces leucine 1874 with proline.
Molecular consequence: missense variant.
Genome position (GRCh38, 1-based): chr11:108,304,799, T>C. VCF-style: chr11-108304799-T-C. GRCh37 (hg19) VCF-style: chr11-108175526-T-C.
Other names: c.5621T>C, p.Leu1874Pro (NM_001351834.2); short protein forms L1874P.
Identifiers: ClinVar variation 1748707 (VCV001748707.3), dbSNP rs2135945271, ClinGen allele CA382546343.
Genomic context (GRCh38, chr11:108,304,799, plus strand): 5'-CAAATGAATCATGGAGAAATCTGCTTTCTACACATGTTCAGGGATTTTTCACCAGCTGTC[T>C]TCGACACTTCTCGCAAACGAGCCGATCCACAACCCCTGCAAACTTGGATTCAGGTATTCT-3'
Protein context (NP_000042.3, residues 1864-1884): THVQGFFTSC[Leu1874Pro]RHFSQTSRST